The following is an entry in ClinVar:

ClinVar aggregate classification (germline): Pathogenic. Review status: criteria provided, multiple submitters, no conflicts (2 of 4 stars). 2 submissions from 2 submitters: Pathogenic (2). Last evaluated 2025-09-11.

Conditions:
Melanoma-pancreatic cancer syndrome. Identifiers: Orphanet 404560, MedGen C1838547, MONDO:0011713, OMIM 606719. Disease mechanism: loss of function.
Hereditary cancer-predisposing syndrome. Also called: Hereditary Cancer Syndrome; Hereditary neoplastic syndrome; Neoplastic Syndromes, Hereditary; Tumor predisposition. Identifiers: Orphanet 140162, MedGen C0027672, MeSH D009386, MONDO:0015356.

Submissions (2):

Ambry Genetics
Classification: Pathogenic for Hereditary cancer-predisposing syndrome. Last evaluated: 2025-09-11. Review status: criteria provided, single submitter. Criteria: Ambry Variant Classification Scheme 2023. Collection method: clinical testing. Allele origin: germline.
Comment: The c.122_123delCGinsT pathogenic mutation, located in coding exon 1 of the CDKN2A gene, results from the deletion of two nucleotides and insertion of one nucleotide causing a translational frameshift with a predicted alternate stop codon (p.P41Lfs*12). This variant is considered to be rare based on population cohorts in the Genome Aggregation Database (gnomAD). This alteration is expected to result in loss of function by premature protein truncation or nonsense-mediated mRNA decay. As such, this alteration is interpreted as a disease-causing mutation.

Myriad Genetics, Inc.
Classification: Pathogenic for Melanoma-pancreatic cancer syndrome. Last evaluated: 2025-08-14. Review status: criteria provided, single submitter. Criteria: Myriad Autosomal Dominant, Autosomal Recessive and X-Linked Classification Criteria (2023). Collection method: clinical testing. Allele origin: unknown.
Comment: This variant is considered pathogenic. This variant creates a frameshift predicted to result in premature protein truncation.

NM_000077.5(CDKN2A):c.122_123delinsT (p.Pro41fs)

Gene: CDKN2A (cyclin dependent kinase inhibitor 2A; minus strand). Cytogenetic location: 9p21.3.
Variant type: Indel.
Coding change: c.122_123delinsT on transcript NM_000077.5; coding-DNA positions 122 to 123, CG replaced by T.
Protein change: p.Pro41fs; shifts the reading frame from proline 41.
Molecular consequence: frameshift variant (on NM_000077.6). On other transcripts: intron variant (2).
Genome position (GRCh38, 1-based): chr9:21,974,705-21,974,706, CG replaced by A on the plus strand (CG replaced by T on the coding strand, the reverse complement: CDKN2A is on the minus strand). VCF-style: chr9-21974705-CG-A. GRCh37 (hg19) VCF-style: chr9-21974704-CG-A.
Other names: c.122_123delCGinsT, p.Pro41Leufs (NM_000077.6); c.122_123delinsT, p.Pro41fs (NM_001195132.2, NM_058197.5); c.-3-3498_-3-3497delinsT (NM_001363763.2); c.194-3498_194-3497delinsT (NM_058195.4); short protein forms P41fs.
Identifiers: ClinVar variation 1752844 (VCV001752844.4), dbSNP rs2489290856, ClinGen allele CA2580080347.